The following is an entry in ClinVar:

NM_000827.4(GRIA1):c.2586C>T (p.Asn862=)

Gene: GRIA1 (glutamate ionotropic receptor AMPA type subunit 1; plus strand). Cytogenetic location: 5q33.2.
Variant type: single nucleotide variant.
Coding change: c.2586C>T on transcript NM_000827.4 (MANE Select); coding-DNA position 2586, C replaced by T.
Protein change: p.Asn862=; no amino-acid change (asparagine 862 retained).
Molecular consequence: synonymous variant. On other transcripts: non-coding transcript variant (2).
Genome position (GRCh38, 1-based): chr5:153,811,090, C>T. VCF-style: chr5-153811090-C-T. GRCh37 (hg19) VCF-style: chr5-153190650-C-T.
Other names: c.2586C>T, p.Asn862= (NM_001114183.2); c.2346C>T, p.Asn782= (NM_001258019.2); c.2301C>T, p.Asn767= (NM_001258020.2); c.2616C>T, p.Asn872= (NM_001258021.2, NM_001258022.2); c.2379C>T, p.Asn793= (NM_001258023.1, NM_001364167.2); c.2418C>T, p.Asn806= (NM_001364165.2); c.2613C>T, p.Asn871= (NM_001364166.2).
Identifiers: ClinVar variation 3037542 (VCV003037542.2), dbSNP rs376123993, ClinGen allele CA3524892.

ClinVar aggregate classification (germline): Likely benign (0 of 4 stars; one submission).

Conditions:
GRIA1-related disorder. Also called: GRIA1-related condition.

Allele frequency attached by ClinVar (database versions not stated): ExAC 0.00001; TOPMed 0.00006; ESP Exome Variant Server 0.00008.
gnomAD v4.1: 25 of 1,613,500 alleles (0.0015%); highest among the groups gnomAD compares: African/African-American, 0.019%; no homozygotes.

Submission:

PreventionGenetics, part of Exact Sciences
Classification: Likely benign for GRIA1-related condition. Last evaluated: 2019-05-01. Review status: no assertion criteria provided. Collection method: clinical testing. Allele origin: germline.
Comment: This variant is classified as likely benign based on ACMG/AMP sequence variant interpretation guidelines (Richards et al. 2015 PMID: 25741868, with internal and published modifications).